The following is an entry in ClinVar:

ClinVar aggregate classification (germline): Conflicting classifications of pathogenicity. Review status: criteria provided, conflicting classifications (1 of 4 stars). 2 submissions from 2 submitters: Uncertain significance (1); Likely benign (1). Last evaluated 2023-06-27.

Conditions:
Hereditary cancer-predisposing syndrome. Also called: Tumor predisposition; Hereditary neoplastic syndrome; Neoplastic Syndromes, Hereditary; Hereditary Cancer Syndrome. Identifiers: Orphanet 140162, MedGen C0027672, MeSH D009386, MONDO:0015356.
Hereditary breast ovarian cancer syndrome. Also called: Hereditary breast and ovarian cancer; Hereditary breast and ovarian cancer syndrome; Hereditary breast and/or ovarian cancer syndrome; Hereditary breast and ovarian cancer syndrome (HBOC); Breast and ovarian cancer; BRCA1- and BRCA2-Associated Hereditary Breast and Ovarian Cancer. Identifiers: Orphanet 145, MedGen C0677776, MeSH D061325, MONDO:0003582. Disease mechanism: loss of function.

Submissions (2):

Labcorp Genetics (formerly Invitae), Labcorp
Classification: Uncertain significance for Hereditary breast ovarian cancer syndrome. Last evaluated: 2023-06-27. Review status: criteria provided, single submitter. Criteria: Invitae Variant Classification Sherloc (09022015). Collection method: clinical testing. Allele origin: germline.
Comment: In summary, the available evidence is currently insufficient to determine the role of this variant in disease. Therefore, it has been classified as a Variant of Uncertain Significance. Advanced modeling of protein sequence and biophysical properties (such as structural, functional, and spatial information, amino acid conservation, physicochemical variation, residue mobility, and thermodynamic stability) performed at Invitae indicates that this missense variant is not expected to disrupt BRCA1 protein function. ClinVar contains an entry for this variant (Variation ID: 1494999). This variant has not been reported in the literature in individuals affected with BRCA1-related conditions. This variant is not present in population databases (gnomAD no frequency). This sequence change replaces isoleucine, which is neutral and non-polar, with methionine, which is neutral and non-polar, at codon 1061 of the BRCA1 protein (p.Ile1061Met).

University of Washington Department of Laboratory Medicine, University of Washington
Classification: Likely benign for Hereditary cancer-predisposing syndrome. Last evaluated: 2023-03-23. Review status: criteria provided, single submitter. Criteria: Dines et al. (Genet Med. 2020). Collection method: curation. Allele origin: germline.
Comment: Missense variant in a coldspot region where missense variants are very unlikely to be pathogenic (PMID:31911673).

BRCA1 coldspot (exon 11 using historical exon numbering). Reclassification based on statistical prior probability

NM_007294.4(BRCA1):c.3183A>G (p.Ile1061Met)

Gene: BRCA1 (BRCA1 DNA repair associated; minus strand). Cytogenetic location: 17q21.31.
Variant type: single nucleotide variant.
Coding change: c.3183A>G on transcript NM_007294.4 (MANE Select); coding-DNA position 3183, A replaced by G.
Protein change: p.Ile1061Met; replaces isoleucine 1061 with methionine.
Molecular consequence: missense variant. On other transcripts: intron variant (137).
Genome position (GRCh38, 1-based): chr17:43,092,348, T>C on the plus strand (A>G on the coding strand, the complement: BRCA1 is on the minus strand). VCF-style: chr17-43092348-T-C. GRCh37 (hg19) VCF-style: chr17-41244365-T-C.
Other names: c.2919A>G, p.Ile973Met (NM_001407935.1, NM_001407920.1, NM_001407921.1 and 9 more transcripts); c.2916A>G, p.Ile972Met (NM_001407936.1, NM_001407930.1, NM_001407931.1 and 2 more transcripts); c.3060A>G, p.Ile1020Met (NM_001407937.1, NM_001407938.1, NM_001407939.1 and 19 more transcripts); c.3057A>G, p.Ile1019Met (NM_001407940.1, NM_001407941.1, NM_001407649.1 and 11 more transcripts); c.3042A>G, p.Ile1014Met (NM_001407942.1, NM_001407944.1, NM_001407945.1 and 29 more transcripts); c.3039A>G, p.Ile1013Met (NM_001407943.1, NM_001407964.1, NM_001407740.1 and 20 more transcripts); c.2850A>G, p.Ile950Met (NM_001407946.1, NM_001407947.1, NM_001407948.1 and 6 more transcripts); c.2295A>G, p.Ile765Met (NM_001407967.1, NM_001407966.1); and 41 more; short protein forms I1014M, I1061M, I933M, I972M, I993M, I1020M, I1034M, I1058M.
Identifiers: ClinVar variation 1494999 (VCV001494999.11), dbSNP rs2154338105, ClinGen allele CA10595620.
Genomic context (GRCh38, chr17:43,092,348, plus strand): 5'-ATTCAATTTTGGCCCTCTGTTTCTACCTAGTTCTGCTTGAATGTTTTCATCACTGGAACC[T>C]ATTTCATTAATACTGGAGCCCACTTCATTAGTACTGGAACCTACTTCATTAATATTGCTT-3'
Protein context (NP_009225.1, residues 1051-1071): TNEVGSSINE[Ile1061Met]GSSDENIQAE